The following is an entry in ClinVar:

ClinVar aggregate classification (germline): Likely pathogenic (1 of 4 stars; one submission).

Conditions:
Autosomal recessive limb-girdle muscular dystrophy type 2A (LGMDR1). Also called: LEYDEN-MOEBIUS MUSCULAR DYSTROPHY; MUSCULAR DYSTROPHY, PELVOFEMORAL; Muscular dystrophy, limb-girdle, type 2A, Amish; Limb-girdle muscular dystrophy, type 2A; Calpainopathy. Identifiers: Orphanet 267, MedGen C1869123, MONDO:0009675, OMIM 253600. Disease mechanism: loss of function.

Submission:

Labcorp Genetics (formerly Invitae), Labcorp
Classification: Likely pathogenic for Autosomal recessive limb-girdle muscular dystrophy type 2A. Last evaluated: 2024-03-01. Review status: criteria provided, single submitter. Criteria: Invitae Variant Classification Sherloc (09022015). Collection method: clinical testing. Allele origin: germline.
Comment: This sequence change affects an acceptor splice site in intron 11 of the CAPN3 gene. It is expected to disrupt RNA splicing. Variants that disrupt the donor or acceptor splice site typically lead to a loss of protein function (PMID: 16199547), and loss-of-function variants in CAPN3 are known to be pathogenic (PMID: 10330340, 15689361). This variant is not present in population databases (gnomAD no frequency). This variant has not been reported in the literature in individuals affected with CAPN3-related conditions. Algorithms developed to predict the effect of sequence changes on RNA splicing suggest that this variant may disrupt the consensus splice site. In summary, the currently available evidence indicates that the variant is pathogenic, but additional data are needed to prove that conclusively. Therefore, this variant has been classified as Likely Pathogenic.

Literature cited by the submitters: PubMed 16199547; PubMed 10330340; PubMed 15689361.

NM_000070.3(CAPN3):c.1525-2A>G

Gene: CAPN3 (calpain 3; plus strand). Cytogenetic location: 15q15.1.
Variant type: single nucleotide variant.
Coding change: c.1525-2A>G on transcript NM_000070.3 (MANE Select); the canonical splice acceptor site of the intron before coding-DNA position 1525, A replaced by G.
Molecular consequence: splice acceptor variant.
Genome position (GRCh38, 1-based): chr15:42,402,122, A>G. VCF-style: chr15-42402122-A-G. GRCh37 (hg19) VCF-style: chr15-42694320-A-G.
Other names: c.1525-2A>G (NM_024344.2); c.1381-2A>G (NM_173087.2).
Identifiers: ClinVar variation 2706040 (VCV002706040.3), dbSNP rs2548277487, ClinGen allele CA392000023.